The following is an entry in ClinVar:

NM_173500.4(TTBK2):c.937A>G (p.Thr313Ala)

Gene: TTBK2 (tau tubulin kinase 2; minus strand). Cytogenetic location: 15q15.2.
Variant type: single nucleotide variant.
Coding change: c.937A>G on transcript NM_173500.4 (MANE Select); coding-DNA position 937, A replaced by G.
Protein change: p.Thr313Ala; replaces threonine 313 with alanine.
Molecular consequence: missense variant.
Genome position (GRCh38, 1-based): chr15:42,794,687, T>C on the plus strand (A>G on the coding strand, the complement: TTBK2 is on the minus strand). VCF-style: chr15-42794687-T-C. GRCh37 (hg19) VCF-style: chr15-43086885-T-C.
Other names: short protein forms T313A.
Identifiers: ClinVar variation 315997 (VCV000315997.18), dbSNP rs56017612, ClinGen allele CA7517001.

ClinVar aggregate classification (germline): Benign. Review status: criteria provided, multiple submitters, no conflicts (2 of 4 stars). 5 submissions from 5 submitters: Benign (5). Last evaluated 2026-01-22.

Conditions:
Spinocerebellar ataxia type 11 (SCA11). Identifiers: Orphanet 98767, MedGen C1858351, MONDO:0011464, OMIM 604432.

Allele frequency attached by ClinVar (database versions not stated): ESP Exome Variant Server 0.00073; gnomAD 0.00284 and 0.00359; TOPMed 0.00549; ExAC 0.00959; gnomAD exomes 0.01060; 1000 Genomes Project 30x 0.01468; 1000 Genomes Project 0.01558.
gnomAD v4.1: 5,288 of 1,614,034 alleles (0.33%); highest among the groups gnomAD compares: East Asian, 5.8%; 141 homozygotes.

Submissions (5):

Labcorp Genetics (formerly Invitae), Labcorp
Classification: Benign. Last evaluated: 2026-01-22. Review status: criteria provided, single submitter. Criteria: Invitae Variant Classification Sherloc (09022015). Collection method: clinical testing. Allele origin: germline.

Athena Diagnostics
Classification: Benign. Last evaluated: 2023-12-26. Review status: criteria provided, single submitter. Criteria: Athena Diagnostics Criteria. Collection method: clinical testing. Allele origin: unknown.

Mayo Clinic Laboratories, Mayo Clinic
Classification: Benign. Last evaluated: 2022-03-23. Review status: criteria provided, single submitter. Criteria: ACMG Guidelines, 2015. Collection method: clinical testing. Allele origin: germline. Observed: 2 variant alleles.

GeneDx
Classification: Benign. Last evaluated: 2021-05-05. Review status: criteria provided, single submitter. Criteria: GeneDx Variant Classification Process June 2021. Collection method: clinical testing. Allele origin: germline. Affected: yes.

Illumina Laboratory Services, Illumina
Classification: Benign for Spinocerebellar ataxia type 11. Last evaluated: 2018-01-13. Review status: criteria provided, single submitter. Criteria: ICSL Variant Classification Criteria 13 December 2019. Collection method: clinical testing. Allele origin: germline.
Comment: This variant was observed in the ICSL laboratory as part of a predisposition screen in an ostensibly healthy population. It had not been previously curated by ICSL or reported in the Human Gene Mutation Database (HGMD: prior to June 1st, 2018), and was therefore a candidate for classification through an automated scoring system. Utilizing variant allele frequency, disease prevalence and penetrance estimates, and inheritance mode, an automated score was calculated to assess if this variant is too frequent to cause the disease. Based on the score and internal cut-off values, a variant classified as benign is not then subjected to further curation. The score for this variant resulted in a classification of benign for this disease.

Literature cited by the submitters: PubMed 27744525 (cited by Athena Diagnostics).